The following is an entry in ClinVar:

NM_000179.3(MSH6):c.2549A>G (p.Tyr850Cys)

Gene: MSH6 (mutS homolog 6; plus strand). Cytogenetic location: 2p16.3.
Variant type: single nucleotide variant.
Coding change: c.2549A>G on transcript NM_000179.3 (MANE Select); coding-DNA position 2549, A replaced by G.
Protein change: p.Tyr850Cys; replaces tyrosine 850 with cysteine.
Molecular consequence: missense variant.
Genome position (GRCh38, 1-based): chr2:47,800,532, A>G. VCF-style: chr2-47800532-A-G. GRCh37 (hg19) VCF-style: chr2-48027671-A-G.
Other names: c.2159A>G, p.Tyr720Cys (NM_001281492.2); c.1643A>G, p.Tyr548Cys (NM_001281493.2, NM_001281494.2); short protein forms Y850C, Y548C, Y720C.
Identifiers: ClinVar variation 89287 (VCV000089287.16), dbSNP rs63750389, ClinGen allele CA010371.
Genomic context (GRCh38, chr2:47,800,532, plus strand): 5'-CTCCCCTGAAGAGTCAGAACCACCCAGACAGCAGGGCTATAATGTATGAAGAAACTACAT[A>G]CAGCAAGAAGAAGATTATTGATTTTCTTTCTGCTCTGGAAGGATTCAAAGTAATGTGTAA-3'
Protein context (NP_000170.1, residues 840-860): SRAIMYEETT[Tyr850Cys]SKKKIIDFLS

ClinVar aggregate classification (germline): Uncertain significance. Review status: criteria provided, multiple submitters, no conflicts (2 of 4 stars). 3 submissions from 3 submitters: Uncertain significance (3). Last evaluated 2025-11-19.

Conditions:
Hereditary nonpolyposis colorectal neoplasms. Identifiers: MedGen C0009405, MeSH D003123.
Hereditary cancer-predisposing syndrome. Also called: Tumor predisposition; Hereditary Cancer Syndrome; Hereditary neoplastic syndrome; Neoplastic Syndromes, Hereditary. Identifiers: Orphanet 140162, MedGen C0027672, MeSH D009386, MONDO:0015356.
Endometrial carcinoma. Also called: Endometrial carcinoma, somatic. Identifiers: MedGen C0476089, MONDO:0002447, OMIM 608089, HP:0012114.

Allele frequency attached by ClinVar (database versions not stated): gnomAD exomes below 0.00001 and 0.00001.
gnomAD v4.1: 2 of 1,613,502 alleles (0.00012%); highest among the groups gnomAD compares: Non-Finnish European, 0.00017%; no homozygotes.

Submissions (3):

Labcorp Genetics (formerly Invitae), Labcorp
Classification: Uncertain significance for Hereditary nonpolyposis colorectal neoplasms. Last evaluated: 2025-11-19. Review status: criteria provided, single submitter. Criteria: Invitae Variant Classification Sherloc (09022015). Collection method: clinical testing. Allele origin: germline.
Comment: This sequence change replaces tyrosine, which is neutral and polar, with cysteine, which is neutral and slightly polar, at codon 850 of the MSH6 protein (p.Tyr850Cys). This variant is present in population databases (rs63750389, gnomAD 0.002%). This missense change has been observed in individual(s) with Lynch syndrome (PMID: 10521294). ClinVar contains an entry for this variant (Variation ID: 89287). Invitae Evidence Modeling of protein sequence and biophysical properties (such as structural, functional, and spatial information, amino acid conservation, physicochemical variation, residue mobility, and thermodynamic stability) indicates that this missense variant is expected to disrupt MSH6 protein function with a positive predictive value of 95%. Experimental studies are conflicting or provide insufficient evidence to determine the effect of this variant on MSH6 function (PMID: 22102614, 23621914). In summary, the available evidence is currently insufficient to determine the role of this variant in disease. Therefore, it has been classified as a Variant of Uncertain Significance.

Ambry Genetics
Classification: Uncertain significance for Hereditary cancer-predisposing syndrome. Last evaluated: 2024-08-16. Review status: criteria provided, single submitter. Criteria: Ambry Variant Classification Scheme 2023. Collection method: clinical testing. Allele origin: germline.
Comment: The p.Y850C variant (also known as c.2549A>G), located in coding exon 4 of the MSH6 gene, results from an A to G substitution at nucleotide position 2549. The tyrosine at codon 850 is replaced by cysteine, an amino acid with highly dissimilar properties. Both tumors were found to be MSI-high and IHC showed loss of MLH1 in both tumors; however, MSH6 IHC was not interpretable in the endometrial tumor and the colon tumor showed intact MSH6, and this patient was also found to carry a MLH1 truncating mutation (Wu Y et al. Am J Hum Genet, 1999 Nov;65:1291-8; Berends MJ et al. Am J Hum Genet, 2002 Jan;70:26-37; Berends MJ et al. J Clin Oncol, 2003 Dec;21:4364-70; Niessen RC et al. Gut, 2006 Dec;55:1781-8). A functional study of in vitro MMR activity revealed that the MMR activity level of this variant was reduced compared to wild-type but was significantly higher than that of repair-deficient controls (Drost M et al. Hum Mutat, 2012 Mar;33:488-94). This amino acid position is highly conserved in available vertebrate species. In addition, this alteration is predicted to be deleterious by in silico analysis. Based on the available evidence, the clinical significance of this variant remains unclear.

Baylor Genetics
Classification: Uncertain significance for Endometrial carcinoma. Last evaluated: 2023-11-19. Review status: criteria provided, single submitter. Criteria: ACMG Guidelines, 2015. Collection method: clinical testing. Allele origin: unknown.

Literature cited by the submitters: PubMed 10521294 (cited by Labcorp Genetics (formerly Invitae), Labcorp and Ambry Genetics); PubMed 22102614 (cited by Labcorp Genetics (formerly Invitae), Labcorp and Ambry Genetics); PubMed 23621914 (cited by Labcorp Genetics (formerly Invitae), Labcorp); PubMed 11709755 (cited by Ambry Genetics); PubMed 14645426 (cited by Ambry Genetics); PubMed 16636019 (cited by Ambry Genetics).